The following is an entry in ClinVar:

NM_170784.3(MKKS):c.636C>T (p.Ser212=)

Gene: MKKS (MKKS centrosomal shuttling protein; minus strand). Cytogenetic location: 20p12.2.
Variant type: single nucleotide variant.
Coding change: c.636C>T on transcript NM_170784.3 (MANE Select); coding-DNA position 636, C replaced by T.
Protein change: p.Ser212=; no amino-acid change (serine 212 retained).
Molecular consequence: synonymous variant.
Genome position (GRCh38, 1-based): chr20:10,412,879, G>A on the plus strand (C>T on the coding strand, the complement: MKKS is on the minus strand). VCF-style: chr20-10412879-G-A. GRCh37 (hg19) VCF-style: chr20-10393527-G-A.
Other names: c.636C>T, p.Ser212= (NM_018848.3).
Identifiers: ClinVar variation 3356150 (VCV003356150.1).

ClinVar aggregate classification (germline): Likely benign (0 of 4 stars; one submission).

Conditions:
MKKS-related disorder. Also called: MKKS-related condition; MKKS-related disorders.

Submission:

PreventionGenetics, part of Exact Sciences
Classification: Likely benign for MKKS-related condition. Last evaluated: 2022-12-27. Review status: no assertion criteria provided. Collection method: clinical testing. Allele origin: germline.
Comment: This variant is classified as likely benign based on ACMG/AMP sequence variant interpretation guidelines (Richards et al. 2015 PMID: 25741868, with internal and published modifications).